The following is an entry in ClinVar:

NM_004655.4(AXIN2):c.781G>T (p.Val261Leu)

Gene: AXIN2 (axin 2; minus strand). Cytogenetic location: 17q24.1.
Variant type: single nucleotide variant.
Coding change: c.781G>T on transcript NM_004655.4 (MANE Select); coding-DNA position 781, G replaced by T.
Protein change: p.Val261Leu; replaces valine 261 with leucine.
Molecular consequence: missense variant.
Genome position (GRCh38, 1-based): chr17:65,557,840, C>A on the plus strand (G>T on the coding strand, the complement: AXIN2 is on the minus strand). VCF-style: chr17-65557840-C-A. GRCh37 (hg19) VCF-style: chr17-63553958-C-A.
Other names: c.781G>T, p.Val261Leu (NM_001363813.1); short protein forms V261L.
Identifiers: ClinVar variation 1373204 (VCV001373204.5), dbSNP rs2144582061, ClinGen allele CA400680281.

ClinVar aggregate classification (germline): Uncertain significance (1 of 4 stars; one submission).

Conditions:
Oligodontia-cancer predisposition syndrome. Also called: TOOTH AGENESIS-COLORECTAL CANCER SYNDROME. Identifiers: Orphanet 300576, MedGen C1837750, MONDO:0012075, OMIM 608615. Disease mechanism: loss of function.

Submission:

Labcorp Genetics (formerly Invitae), Labcorp
Classification: Uncertain significance for Oligodontia-cancer predisposition syndrome. Last evaluated: 2021-08-07. Review status: criteria provided, single submitter. Criteria: Invitae Variant Classification Sherloc (09022015). Collection method: clinical testing. Allele origin: germline.
Comment: This variant has not been reported in the literature in individuals affected with AXIN2-related conditions. This variant is not present in population databases (ExAC no frequency). This sequence change replaces valine with leucine at codon 261 of the AXIN2 protein (p.Val261Leu). The valine residue is moderately conserved and there is a small physicochemical difference between valine and leucine. Algorithms developed to predict the effect of missense changes on protein structure and function (SIFT, PolyPhen-2, Align-GVGD) all suggest that this variant is likely to be tolerated. In summary, the available evidence is currently insufficient to determine the role of this variant in disease. Therefore, it has been classified as a Variant of Uncertain Significance.